The following is an entry in ClinVar:

ClinVar aggregate classification (germline): Uncertain significance. Review status: criteria provided, multiple submitters, no conflicts (2 of 4 stars). 2 submissions from 2 submitters: Uncertain significance (2). Last evaluated 2023-10-30.

Conditions:
Inborn genetic diseases. Identifiers: MedGen C0950123, MeSH D030342.

Allele frequency attached by ClinVar (database versions not stated): TOPMed below 0.00001; gnomAD exomes 0.00001; ExAC 0.00002.

Submissions (2):

Labcorp Genetics (formerly Invitae), Labcorp
Classification: Uncertain significance. Last evaluated: 2023-10-30. Review status: criteria provided, single submitter. Criteria: Invitae Variant Classification Sherloc (09022015). Collection method: clinical testing. Allele origin: germline.
Comment: This sequence change replaces arginine, which is basic and polar, with histidine, which is basic and polar, at codon 313 of the PLOD3 protein (p.Arg313His). This variant is present in population databases (rs764834505, gnomAD 0.01%). This variant has not been reported in the literature in individuals affected with PLOD3-related conditions. Advanced modeling of protein sequence and biophysical properties (such as structural, functional, and spatial information, amino acid conservation, physicochemical variation, residue mobility, and thermodynamic stability) performed at Invitae indicates that this missense variant is not expected to disrupt PLOD3 protein function with a negative predictive value of 80%. In summary, the available evidence is currently insufficient to determine the role of this variant in disease. Therefore, it has been classified as a Variant of Uncertain Significance.

Ambry Genetics
Classification: Uncertain significance for Inborn genetic diseases. Last evaluated: 2023-03-06. Review status: criteria provided, single submitter. Criteria: Ambry Variant Classification Scheme 2023. Collection method: clinical testing. Allele origin: germline.

NM_001084.5(PLOD3):c.938G>A (p.Arg313His)

Gene: PLOD3 (procollagen-lysine,2-oxoglutarate 5-dioxygenase 3; minus strand). Cytogenetic location: 7q22.1.
Variant type: single nucleotide variant.
Coding change: c.938G>A on transcript NM_001084.5 (MANE Select); coding-DNA position 938, G replaced by A.
Protein change: p.Arg313His; replaces arginine 313 with histidine.
Molecular consequence: missense variant.
Genome position (GRCh38, 1-based): chr7:101,212,597, C>T on the plus strand (G>A on the coding strand, the complement: PLOD3 is on the minus strand). VCF-style: chr7-101212597-C-T. GRCh37 (hg19) VCF-style: chr7-100855878-C-T.
Other names: c.938G>A (NM_001084.4); short protein forms R313H.
Identifiers: ClinVar variation 3004861 (VCV003004861.2), dbSNP rs764834505, ClinGen allele CA4407926.